The following is an entry in ClinVar:

NM_000350.3(ABCA4):c.4849G>A (p.Val1617Met)

Genes: ABCA4 (ATP binding cassette subfamily A member 4; minus strand), LOC126805793 (CDK7 strongly-dependent group 2 enhancer GRCh37_chr1:94486302-94487501; plus strand). Cytogenetic location: 1p22.1.
Variant type: single nucleotide variant.
Coding change: c.4849G>A on transcript NM_000350.3 (MANE Select); coding-DNA position 4849, G replaced by A.
Protein change: p.Val1617Met; replaces valine 1617 with methionine.
Molecular consequence: missense variant.
Genome position (GRCh38, 1-based): chr1:94,021,409, C>T on the plus strand (G>A on the coding strand, the complement: ABCA4 is on the minus strand). VCF-style: chr1-94021409-C-T. GRCh37 (hg19) VCF-style: chr1-94486965-C-T.
Other names: c.4627G>A, p.Val1543Met (NM_001425324.1); short protein forms V1617M, V1543M.
Identifiers: ClinVar variation 866589 (VCV000866589.9), dbSNP rs1659893621, ClinGen allele CA341283245.

ClinVar aggregate classification (germline): Pathogenic. Review status: criteria provided, multiple submitters, no conflicts (2 of 4 stars). 2 submissions from 2 submitters: Pathogenic (2). Last evaluated 2023-09-08.

Conditions:
ABCA4-related disorder. Also called: ABCA4-related condition; ABCA4-related disorders. Identifiers: MedGen CN239167.

Submissions (2):

Labcorp Genetics (formerly Invitae), Labcorp
Classification: Pathogenic. Last evaluated: 2023-09-08. Review status: criteria provided, single submitter. Criteria: Invitae Variant Classification Sherloc (09022015). Collection method: clinical testing. Allele origin: germline.
Comment: This sequence change replaces valine, which is neutral and non-polar, with methionine, which is neutral and non-polar, at codon 1617 of the ABCA4 protein (p.Val1617Met). This variant is not present in population databases (gnomAD no frequency). This missense change has been observed in individual(s) with clinical features of ABCA4-related conditions and/or Stargardt disease (PMID: 17296903, 31212395; Invitae). In at least one individual the data is consistent with being in trans (on the opposite chromosome) from a pathogenic variant. An algorithm developed to predict the effect of missense changes on protein structure and function (PolyPhen-2) suggests that this variant is likely to be disruptive. Studies have shown that this missense change is associated with altered splicing resulting in multiple RNA products (PMID: 31212395). For these reasons, this variant has been classified as Pathogenic. ClinVar contains an entry for this variant (Variation ID: 866589).

Blueprint Genetics
Classification: Pathogenic for ABCA4-related disorders. Last evaluated: 2023-07-12. Review status: criteria provided, single submitter. Criteria: ACMG Guidelines, 2015. Collection method: clinical testing. Allele origin: germline. Affected: yes. Observed: 3 variant alleles.

Literature cited by the submitters: PubMed 17296903 (cited by Labcorp Genetics (formerly Invitae), Labcorp); PubMed 31212395 (cited by Labcorp Genetics (formerly Invitae), Labcorp).